The following is an entry in ClinVar:

NM_004370.6(COL12A1):c.3031A>G (p.Thr1011Ala)

Gene: COL12A1 (collagen type XII alpha 1 chain; minus strand). Cytogenetic location: 6q13.
Variant type: single nucleotide variant.
Coding change: c.3031A>G on transcript NM_004370.6 (MANE Select); coding-DNA position 3031, A replaced by G.
Protein change: p.Thr1011Ala; replaces threonine 1011 with alanine.
Molecular consequence: missense variant. On other transcripts: intron variant (1).
Genome position (GRCh38, 1-based): chr6:75,156,476, T>C on the plus strand (A>G on the coding strand, the complement: COL12A1 is on the minus strand). VCF-style: chr6-75156476-T-C. GRCh37 (hg19) VCF-style: chr6-75866192-T-C.
Other names: c.74-3994A>G (NM_080645.3); short protein forms T1011A.
Identifiers: ClinVar variation 1036290 (VCV001036290.9), dbSNP rs1767774122, ClinGen allele CA364754691.

ClinVar aggregate classification (germline): Uncertain significance (1 of 4 stars; one submission).

Conditions:
Ullrich congenital muscular dystrophy 2 (UCMD2). Identifiers: Orphanet 75840, MedGen C4225314, MONDO:0014654, OMIM 616470.
Bethlem myopathy 2 (BTHLM2). Identifiers: Orphanet 536516, Orphanet 610, MedGen C4225313, MONDO:0034022, OMIM 616471.

Allele frequency attached by ClinVar (database versions not stated): gnomAD exomes below 0.00001.
gnomAD v4.1: 3 of 1,613,844 alleles (0.00019%); highest among the groups gnomAD compares: Non-Finnish European, 0.00025%; no homozygotes.

Submission:

Labcorp Genetics (formerly Invitae), Labcorp
Classification: Uncertain significance for Bethlem myopathy 2; Ullrich congenital muscular dystrophy 2. Last evaluated: 2022-09-15. Review status: criteria provided, single submitter. Criteria: Invitae Variant Classification Sherloc (09022015). Collection method: clinical testing. Allele origin: germline.
Comment: This variant has not been reported in the literature in individuals affected with COL12A1-related conditions. This sequence change replaces threonine, which is neutral and polar, with alanine, which is neutral and non-polar, at codon 1011 of the COL12A1 protein (p.Thr1011Ala). This variant is not present in population databases (gnomAD no frequency). ClinVar contains an entry for this variant (Variation ID: 1036290). Advanced modeling of protein sequence and biophysical properties (such as structural, functional, and spatial information, amino acid conservation, physicochemical variation, residue mobility, and thermodynamic stability) performed at Invitae indicates that this missense variant is not expected to disrupt COL12A1 protein function. In summary, the available evidence is currently insufficient to determine the role of this variant in disease. Therefore, it has been classified as a Variant of Uncertain Significance.